The following is an entry in ClinVar:

ClinVar aggregate classification (germline): Uncertain significance (1 of 4 stars; one submission).

Conditions:
Hereditary cancer-predisposing syndrome. Also called: Neoplastic Syndromes, Hereditary; Tumor predisposition; Hereditary Cancer Syndrome; Hereditary neoplastic syndrome. Identifiers: Orphanet 140162, MedGen C0027672, MeSH D009386, MONDO:0015356.

Submission:

Ambry Genetics
Classification: Uncertain significance for Hereditary cancer-predisposing syndrome. Last evaluated: 2023-01-24. Review status: criteria provided, single submitter. Criteria: Ambry Variant Classification Scheme 2023. Collection method: clinical testing. Allele origin: germline.
Comment: The p.E278K variant (also known as c.832G>A), located in coding exon 7 of the MRE11A gene, results from a G to A substitution at nucleotide position 832. The glutamic acid at codon 278 is replaced by lysine, an amino acid with similar properties. This amino acid position is highly conserved in available vertebrate species. In addition, this alteration is predicted to be deleterious by in silico analysis. Since supporting evidence is limited at this time, the clinical significance of this alteration remains unclear.

NM_005591.4(MRE11):c.832G>A (p.Glu278Lys)

Gene: MRE11 (MRE11 double strand break repair nuclease; minus strand). Cytogenetic location: 11q21.
Variant type: single nucleotide variant.
Coding change: c.832G>A on transcript NM_005591.4 (MANE Select); coding-DNA position 832, G replaced by A.
Protein change: p.Glu278Lys; replaces glutamic acid 278 with lysine.
Molecular consequence: missense variant.
Genome position (GRCh38, 1-based): chr11:94,471,587, C>T on the plus strand (G>A on the coding strand, the complement: MRE11 is on the minus strand). VCF-style: chr11-94471587-C-T. GRCh37 (hg19) VCF-style: chr11-94204753-C-T.
Other names: c.832G>A, p.Glu278Lys (NM_005590.4, NM_001330347.2); short protein forms E278K.
Identifiers: ClinVar variation 1800185 (VCV001800185.3), dbSNP rs1160887570, ClinGen allele CA382375477.
Genomic context (GRCh38, chr11:94,471,587, plus strand): 5'-TATAGCAAAGATTTCTTAAAAATTGGCTCAAAATATATAACACTCACTTCTTTACAGCTT[C>T]TCCTGGGGAAAGAGAAGTAACCACTGAGCTTCCAGGTTGTGAGATATAAAACAGCTGTTG-3'
Protein context (NP_005582.1, residues 268-288): SSVVTSLSPG[Glu278Lys]AVKKHVGLLR